The following is an entry in ClinVar:

ClinVar aggregate classification (germline): Likely pathogenic. Review status: criteria provided, multiple submitters, no conflicts (2 of 4 stars). 3 submissions from 3 submitters: Likely pathogenic (3). Last evaluated 2026-09-23.

Conditions:
TCTN1-related disorder. Also called: TCTN1-related condition.
Meckel-Gruber syndrome. Also called: Dysencephalia splachnocystica; DYSENCEPHALIA SPLANCHNOCYSTICA; GRUBER SYNDROME. Identifiers: Orphanet 564, MedGen C0265215, MONDO:0018921.
Joubert syndrome. Also called: Familial aplasia of the vermis; JOUBERT-BOLTSHAUSER SYNDROME. Identifiers: Orphanet 475, MedGen C5979921, MONDO:0018772.

Allele frequency attached by ClinVar (database versions not stated): gnomAD exomes below 0.00001; TOPMed below 0.00001; gnomAD 0.00001.
gnomAD v4.1: 3 of 1,600,096 alleles (0.00019%); highest among the groups gnomAD compares: Non-Finnish European, 0.00026%; no homozygotes.

Submissions (3):

GeneDx
Classification: Likely pathogenic. Last evaluated: 2026-09-23. Review status: criteria provided, single submitter. Criteria: GeneDx Variant Classification Process June 2021. Collection method: clinical testing. Allele origin: germline.
Comment: Canonical splice site variant predicted to result in a null allele in a gene for which loss-of-function is a known mechanism of disease; Not observed at significant frequency in large population cohorts (gnomAD); Has not been previously published as pathogenic or benign to our knowledge

Labcorp Genetics (formerly Invitae), Labcorp
Classification: Likely pathogenic for Joubert syndrome; Meckel-Gruber syndrome. Last evaluated: 2024-02-05. Review status: criteria provided, single submitter. Criteria: Invitae Variant Classification Sherloc (09022015). Collection method: clinical testing. Allele origin: germline.
Comment: This sequence change affects an acceptor splice site in intron 5 of the TCTN1 gene. It is expected to disrupt RNA splicing. Variants that disrupt the donor or acceptor splice site typically lead to a loss of protein function (PMID: 16199547), and loss-of-function variants in TCTN1 are known to be pathogenic (PMID: 21725307, 22693042, 27894351). This variant is not present in population databases (gnomAD no frequency). This variant has not been reported in the literature in individuals affected with TCTN1-related conditions. ClinVar contains an entry for this variant (Variation ID: 947943). Algorithms developed to predict the effect of sequence changes on RNA splicing suggest that this variant may disrupt the consensus splice site. In summary, the currently available evidence indicates that the variant is pathogenic, but additional data are needed to prove that conclusively. Therefore, this variant has been classified as Likely Pathogenic.

Blueprint Genetics
Classification: Likely pathogenic for TCTN1-related disorders. Last evaluated: 2021-01-22. Review status: criteria provided, single submitter. Criteria: ACMG Guidelines, 2015. Collection method: clinical testing. Allele origin: germline. Affected: yes. Observed: 2 variant alleles.

Literature cited by the submitters: PubMed 16199547 (cited by Labcorp Genetics (formerly Invitae), Labcorp); PubMed 21725307 (cited by Labcorp Genetics (formerly Invitae), Labcorp); PubMed 22693042 (cited by Labcorp Genetics (formerly Invitae), Labcorp); PubMed 27894351 (cited by Labcorp Genetics (formerly Invitae), Labcorp).

NM_001082538.3(TCTN1):c.713-2A>G

Gene: TCTN1 (tectonic family member 1; plus strand). Cytogenetic location: 12q24.11.
Variant type: single nucleotide variant.
Coding change: c.713-2A>G on transcript NM_001082538.3 (MANE Select); the canonical splice acceptor site of the intron before coding-DNA position 713, A replaced by G.
Molecular consequence: splice acceptor variant. On other transcripts: intron variant (1).
Genome position (GRCh38, 1-based): chr12:110,634,668, A>G. VCF-style: chr12-110634668-A-G. GRCh37 (hg19) VCF-style: chr12-111072473-A-G.
Other names: c.545-2A>G (NM_001173975.3); c.533-2A>G (NM_001173976.2); c.179-2A>G (NM_001319681.2); c.780+205A>G (NM_024549.6); c.713-2A>G (NM_001082537.3, NM_001319680.2).
Identifiers: ClinVar variation 947943 (VCV000947943.15), dbSNP rs2066444872, ClinGen allele CA386703709.